The following is an entry in ClinVar:

NM_004563.4(PCK2):c.1405C>T (p.Arg469Cys)

Genes: NRL (neural retina leucine zipper; minus strand), PCK2 (phosphoenolpyruvate carboxykinase 2, mitochondrial; plus strand). Cytogenetic location: 14q12.
Variant type: single nucleotide variant.
Coding change: c.1405C>T on transcript NM_004563.4 (MANE Select); coding-DNA position 1405, C replaced by T.
Protein change: p.Arg469Cys; replaces arginine 469 with cysteine.
Molecular consequence: missense variant. On other transcripts: intron variant (3).
Genome position (GRCh38, 1-based): chr14:24,103,192, C>T. VCF-style: chr14-24103192-C-T. GRCh37 (hg19) VCF-style: chr14-24572401-C-T.
Other names: c.1003C>T, p.Arg335Cys (NM_001291556.2, NM_001308054.2); c.-28+11530G>A (NM_001354768.3, NM_001354770.2); c.-254+11530G>A (NM_006177.5); short protein forms R469C, R335C.
Identifiers: ClinVar variation 383754 (VCV000383754.21), dbSNP rs141383988, ClinGen allele CA7123483.
Genomic context (GRCh38, chr14:24,103,192, plus strand): 5'-CCTGTGACTCTGTTCATTGGTGATCTAGGGGTACCCCTGGTATACGAGGCCTTCAACTGG[C>T]GTCATGGGGTGTTTGTGGGCAGCGCCATGCGCTCTGAGTCCACTGCTGCAGCAGAACACA-3'
Protein context (NP_004554.3, residues 459-479): VPLVYEAFNW[Arg469Cys]HGVFVGSAMR

ClinVar aggregate classification (germline): Conflicting classifications of pathogenicity. Review status: criteria provided, conflicting classifications (1 of 4 stars). 4 submissions from 4 submitters: Uncertain significance (2); Likely benign (1). 1 of the submissions does not count toward it. Last evaluated 2026-01-26.

Conditions:
PCK2-related disorder. Also called: PCK2-related condition.
Phosphoenolpyruvate carboxykinase deficiency, mitochondrial. Also called: PCK2 DEFICIENCY; PEPCK2 DEFICIENCY. Identifiers: Orphanet 2880, MedGen C1849821, MONDO:0009864, OMIM 261650.

Allele frequency attached by ClinVar (database versions not stated): 1000 Genomes Project 0.00180; gnomAD exomes 0.00015 and 0.00042; ExAC 0.00054; gnomAD 0.00138 and 0.00152; ESP Exome Variant Server 0.00161; TOPMed 0.00165; 1000 Genomes Project 30x 0.00172.
gnomAD v4.1: 427 of 1,613,964 alleles (0.026%); highest among the groups gnomAD compares: African/African-American, 0.49%; no homozygotes.

Submissions (4):

Labcorp Genetics (formerly Invitae), Labcorp
Classification: Likely benign. Last evaluated: 2026-01-26. Review status: criteria provided, single submitter. Criteria: Invitae Variant Classification Sherloc (09022015). Collection method: clinical testing. Allele origin: germline.

GeneDx
Classification: Uncertain significance. Last evaluated: 2023-01-31. Review status: criteria provided, single submitter. Criteria: GeneDx Variant Classification Process June 2021. Collection method: clinical testing. Allele origin: germline. Affected: yes.
Comment: In silico analysis supports that this missense variant has a deleterious effect on protein structure/function; Has not been previously published as pathogenic or benign to our knowledge; Variants in candidate genes are classified as variants of uncertain significance in accordance with ACMG guidelines (Richards et al., 2015)

Revvity Omics, Revvity
Classification: Uncertain significance for Phosphoenolpyruvate carboxykinase deficiency, mitochondrial. Last evaluated: 2019-07-29. Review status: criteria provided, single submitter. Criteria: ACMG Guidelines, 2015. Collection method: clinical testing. Allele origin: germline.

PreventionGenetics, part of Exact Sciences
Classification: Likely benign for PCK2-related condition. Last evaluated: 2022-03-19. Review status: no assertion criteria provided. Collection method: clinical testing. Allele origin: germline. Not counted in ClinVar's aggregate classification.
Comment: This variant is classified as likely benign based on ACMG/AMP sequence variant interpretation guidelines (Richards et al. 2015 PMID: 25741868, with internal and published modifications).